The following is an entry in ClinVar:

ClinVar aggregate classification (germline): Pathogenic (1 of 4 stars; one submission).

Submission:

Labcorp Genetics (formerly Invitae), Labcorp
Classification: Pathogenic. Last evaluated: 2024-04-14. Review status: criteria provided, single submitter. Criteria: Invitae Variant Classification Sherloc (09022015). Collection method: clinical testing. Allele origin: germline.
Comment: This sequence change creates a premature translational stop signal (p.Gly230Alafs*28) in the TBCE gene. It is expected to result in an absent or disrupted protein product. Loss-of-function variants in TBCE are known to be pathogenic (PMID: 27666369, 34134906, 34356170). This variant is not present in population databases (gnomAD no frequency). This variant has not been reported in the literature in individuals affected with TBCE-related conditions. For these reasons, this variant has been classified as Pathogenic.

Literature cited by the submitters: PubMed 27666369; PubMed 34134906; PubMed 34356170.

NM_003193.5(TBCE):c.689del (p.Gly230fs)

Gene: TBCE (tubulin folding cofactor E; plus strand). Cytogenetic location: 1q42.3.
Variant type: Deletion.
Coding change: c.689del on transcript NM_003193.5 (MANE Select); coding-DNA position 689, one base deleted (G; older notation c.689delG).
Protein change: p.Gly230fs; shifts the reading frame from glycine 230.
Molecular consequence: frameshift variant.
Genome position (GRCh38, 1-based): chr1:235,434,232, G deleted; the last of 2 consecutive G bases (chr1:235,434,231-235,434,232); deleting either gives the same sequence. VCF-style (leftmost placement, unchanged base first): chr1-235434230-AG-A. GRCh37 (hg19) VCF-style: chr1-235597545-AG-A.
Other names: c.689del, p.Gly230fs (NM_001079515.3); c.842del, p.Gly281fs (NM_001287801.2); c.350del, p.Gly117fs (NM_001287802.2); short protein forms G230fs, G117fs, G281fs.
Identifiers: ClinVar variation 3649865 (VCV003649865.2).